The following is an entry in ClinVar:

ClinVar aggregate classification (germline): Conflicting classifications of pathogenicity. Review status: criteria provided, conflicting classifications (1 of 4 stars). 6 submissions from 6 submitters: Uncertain significance (4); Likely benign (2). Last evaluated 2026-04-17.

Conditions:
Cardiovascular phenotype. Identifiers: MedGen CN230736.
TTN-related disorder. Also called: TTN-related condition; TTN-related disease; TTN-related disorders.

Allele frequency attached by ClinVar (database versions not stated): gnomAD exomes 0.00002; gnomAD 0.00004; TOPMed 0.00005; ExAC 0.00006; ESP Exome Variant Server 0.00009.
gnomAD v4.1: 42 of 1,580,672 alleles (0.0027%); highest among the groups gnomAD compares: Middle Eastern, 0.05%; no homozygotes.

Submissions (6):

Women's Health and Genetics/Laboratory Corporation of America, LabCorp
Classification: Uncertain significance. Last evaluated: 2026-04-17. Review status: criteria provided, single submitter. Criteria: LabCorp Variant Classification Summary - May 2015. Collection method: clinical testing. Allele origin: germline.

PreventionGenetics, part of Exact Sciences
Classification: Uncertain significance for TTN-related condition. Last evaluated: 2025-08-27. Review status: criteria provided, single submitter. Criteria: ACMG Guidelines, 2015. Collection method: clinical testing. Allele origin: germline.
Comment: The TTN c.40557C>T variant is not predicted to result in an amino acid change (p.=). This variant is predicted to alter splicing based on available splicing prediction programs (SpliceAI, Jaganathan et al. 2019. PubMed ID: 30661751). However, the use of computer prediction programs is not equivalent to functional evidence. To our knowledge, this variant has not been reported in the literature. This variant is reported in 0.0056% of alleles in individuals of European (Non-Finnish) descent in gnomAD. At this time, the clinical significance of this variant is uncertain due to the absence of conclusive functional and genetic evidence.

Athena Diagnostics
Classification: Uncertain significance. Last evaluated: 2020-09-24. Review status: criteria provided, single submitter. Criteria: Athena Diagnostics criteria. Collection method: clinical testing. Allele origin: unknown.

Eurofins Ntd Llc (ga)
Classification: Uncertain significance. Last evaluated: 2016-09-29. Review status: criteria provided, single submitter. Criteria: EGL Classification Definitions 2015. Collection method: clinical testing. Allele origin: germline. Observed: 1 variant allele, 1 heterozygote.

GeneDx
Classification: Likely benign. Last evaluated: 2015-09-17. Review status: criteria provided, single submitter. Criteria: GeneDx Variant Classification (06012015). Collection method: clinical testing. Allele origin: germline. Affected: yes.
Comment: This variant is considered likely benign or benign based on one or more of the following criteria: it is a conservative change, it occurs at a poorly conserved position in the protein, it is predicted to be benign by multiple in silico algorithms, and/or has population frequency not consistent with disease.

Ambry Genetics
Classification: Likely benign for Cardiovascular phenotype. Last evaluated: 2013-04-09. Review status: criteria provided, single submitter. Criteria: Ambry Autosomal Dominant and X-Linked criteria (10/2015). Collection method: clinical testing. Allele origin: germline. Observed: 1 variant allele.

NM_001267550.2(TTN):c.40557C>T (p.Ser13519=)

Gene: TTN (titin; minus strand). Cytogenetic location: 2q31.2.
Variant type: single nucleotide variant.
Coding change: c.40557C>T on transcript NM_001267550.2 (MANE Select); coding-DNA position 40557, C replaced by T.
Protein change: p.Ser13519=; no amino-acid change (serine 13519 retained).
Molecular consequence: synonymous variant.
Genome position (GRCh38, 1-based): chr2:178,642,238, G>A on the plus strand (C>T on the coding strand, the complement: TTN is on the minus strand). VCF-style: chr2-178642238-G-A. GRCh37 (hg19) VCF-style: chr2-179506965-G-A.
Other names: c.40557C>T (NM_001267550.1); c.35634C>T, p.Ser11878= (NM_001256850.1); c.13362C>T, p.Ser4454= (NM_003319.4); c.32853C>T, p.Ser10951= (NM_133378.4); c.13737C>T, p.Ser4579= (NM_133432.3); c.13938C>T, p.Ser4646= (NM_133437.4).
Identifiers: ClinVar variation 263597 (VCV000263597.10), dbSNP rs371178429, ClinGen allele CA1996462.
Genomic context (GRCh38, chr2:178,642,238, plus strand): 5'-TTTCAAGTTCATTTTTAAAATATACTTAACGCTGACAGAATGGTTGAAAAATACTATACC[G>A]CTTTTCAGAACAACTTCTTCCTTTGGTTCAGGTTTACGTTCCGGAAGTAATTTGCGAACT-3'
Protein context (NP_001254479.2, residues 13509-13529): PEPKEEVVLK[Ser13519=]VLRKRPEEEE